The following is an entry in ClinVar:

NM_006231.4(POLE):c.1489T>C (p.Ser497Pro)

Gene: POLE (DNA polymerase epsilon, catalytic subunit; minus strand). Cytogenetic location: 12q24.33.
Variant type: single nucleotide variant.
Coding change: c.1489T>C on transcript NM_006231.4 (MANE Select); coding-DNA position 1489, T replaced by C.
Protein change: p.Ser497Pro; replaces serine 497 with proline.
Molecular consequence: missense variant.
Genome position (GRCh38, 1-based): chr12:132,672,824, A>G on the plus strand (T>C on the coding strand, the complement: POLE is on the minus strand). VCF-style: chr12-132672824-A-G. GRCh37 (hg19) VCF-style: chr12-133249410-A-G.
Other names: c.1489T>C (NM_006231.2); short protein forms S497P.
Identifiers: ClinVar variation 540772 (VCV000540772.10), dbSNP rs764069224, ClinGen allele CA6893929.

ClinVar aggregate classification (germline): Uncertain significance. Review status: criteria provided, multiple submitters, no conflicts (2 of 4 stars). 3 submissions from 3 submitters: Uncertain significance (3). Last evaluated 2025-12-29.

Conditions:
Hereditary cancer-predisposing syndrome. Also called: Neoplastic Syndromes, Hereditary; Hereditary Cancer Syndrome; Hereditary neoplastic syndrome; Tumor predisposition. Identifiers: Orphanet 140162, MedGen C0027672, MeSH D009386, MONDO:0015356.

Allele frequency attached by ClinVar (database versions not stated): gnomAD exomes below 0.00001; ExAC 0.00001; gnomAD 0.00001; TOPMed 0.00001.
gnomAD v4.1: 4 of 1,613,996 alleles (0.00025%); highest among the groups gnomAD compares: Non-Finnish European, 0.00034%; no homozygotes.

Submissions (3):

Center for Genomic Medicine, Rigshospitalet, Copenhagen University Hospital
Classification: Uncertain significance. Last evaluated: 2025-12-29. Review status: criteria provided, single submitter. Criteria: ACMG Guidelines, 2015. Collection method: clinical testing. Allele origin: germline.

Ambry Genetics
Classification: Uncertain significance for Hereditary cancer-predisposing syndrome. Last evaluated: 2025-07-28. Review status: criteria provided, single submitter. Criteria: Ambry Variant Classification Scheme 2023. Collection method: clinical testing. Allele origin: germline.
Comment: The p.S497P variant (also known as c.1489T>C), located in coding exon 15 of the POLE gene, results from a T to C substitution at nucleotide position 1489. The serine at codon 497 is replaced by proline, an amino acid with similar properties. This amino acid position is conserved. In addition, this alteration is predicted to be deleterious by in silico analysis. Based on the available evidence, the clinical significance of this variant remains unclear.

Labcorp Genetics (formerly Invitae), Labcorp
Classification: Uncertain significance. Last evaluated: 2024-10-19. Review status: criteria provided, single submitter. Criteria: Invitae Variant Classification Sherloc (09022015). Collection method: clinical testing. Allele origin: germline.
Comment: This sequence change replaces serine, which is neutral and polar, with proline, which is neutral and non-polar, at codon 497 of the POLE protein (p.Ser497Pro). The frequency data for this variant in the population databases is considered unreliable, as metrics indicate poor data quality at this position in the gnomAD database. This variant has not been reported in the literature in individuals affected with POLE-related conditions. ClinVar contains an entry for this variant (Variation ID: 540772). Invitae Evidence Modeling of protein sequence and biophysical properties (such as structural, functional, and spatial information, amino acid conservation, physicochemical variation, residue mobility, and thermodynamic stability) indicates that this missense variant is expected to disrupt POLE protein function with a positive predictive value of 80%. In summary, the available evidence is currently insufficient to determine the role of this variant in disease. Therefore, it has been classified as a Variant of Uncertain Significance.